The following is an entry in ClinVar:

NM_004473.4(FOXE1):c.673G>A (p.Gly225Ser)

Gene: FOXE1 (forkhead box E1; plus strand). Cytogenetic location: 9q22.33.
Variant type: single nucleotide variant.
Coding change: c.673G>A on transcript NM_004473.4 (MANE Select); coding-DNA position 673, G replaced by A.
Protein change: p.Gly225Ser; replaces glycine 225 with serine.
Molecular consequence: missense variant.
Genome position (GRCh38, 1-based): chr9:97,854,587, G>A. VCF-style: chr9-97854587-G-A. GRCh37 (hg19) VCF-style: chr9-100616869-G-A.
Other names: short protein forms G225S.
Identifiers: ClinVar variation 4984190 (VCV004984190.1).
Genomic context (GRCh38, chr9:97,854,587, plus strand): 5'-CTGGCCGCGCCGCCTCCAGTCTACTACCCCGCGGCGTCGCCCGGCCCTTGCCGCGTCTTC[G>A]GCCTGGTTCCTGAGCGGCCGCTCAGCCCAGAGCTGGGGCCCGCACCGTCGGGGCCCGGCG-3'
Protein context (NP_004464.2, residues 215-235): AASPGPCRVF[Gly225Ser]LVPERPLSPE

ClinVar aggregate classification (germline): Uncertain significance (1 of 4 stars; one submission).

Conditions:
FOXE1-related disorder. Also called: FOXE1-related condition.

gnomAD v4.1: 4 of 1,347,846 alleles (0.0003%); highest among the groups gnomAD compares: African/African-American, 0.0062%; no homozygotes.

Submission:

PreventionGenetics, part of Exact Sciences
Classification: Uncertain significance for FOXE1-related condition. Last evaluated: 2025-06-27. Review status: criteria provided, single submitter. Criteria: ACMG Guidelines, 2015. Collection method: clinical testing. Allele origin: germline.
Comment: The FOXE1 c.673G>A variant is predicted to result in the amino acid substitution p.Gly225Ser. To our knowledge, this variant has not been reported in the literature. This variant is reported in 0.012% of alleles in individuals of African descent in gnomAD. At this time, the clinical significance of this variant is uncertain due to the absence of conclusive functional and genetic evidence.